The following is an entry in ClinVar:

NM_001395656.1(ROBO2):c.302G>T (p.Ser101Ile)

Gene: ROBO2 (roundabout guidance receptor 2; plus strand). Cytogenetic location: 3p12.3.
Variant type: single nucleotide variant.
Coding change: c.302G>T on transcript NM_001395656.1 (MANE Select); coding-DNA position 302, G replaced by T.
Protein change: p.Ser101Ile; replaces serine 101 with isoleucine.
Molecular consequence: missense variant. On other transcripts: 5 prime UTR variant (1).
Genome position (GRCh38, 1-based): chr3:77,098,254, G>T. VCF-style: chr3-77098254-G-T. GRCh37 (hg19) VCF-style: chr3-77147405-G-T.
Other names: c.350G>T, p.Ser117Ile (NM_001128929.3, NM_001378190.1, NM_001378191.1 and 5 more transcripts); c.302G>T, p.Ser101Ile (NM_001290039.2, NM_001290040.2, NM_001378193.1 and 3 more transcripts); c.-1617G>T (NM_001290065.2); c.371G>T, p.Ser124Ile (NM_001378192.1, NM_001378194.1, NM_001378198.1 and 5 more transcripts); short protein forms S124I, S101I, S117I.
Identifiers: ClinVar variation 4768327 (VCV004768327.1).

ClinVar aggregate classification (germline): Uncertain significance (1 of 4 stars; one submission).

Submission:

Labcorp Genetics (formerly Invitae), Labcorp
Classification: Uncertain significance. Last evaluated: 2025-11-18. Review status: criteria provided, single submitter. Criteria: Invitae Variant Classification Sherloc (09022015). Collection method: clinical testing. Allele origin: germline.
Comment: This sequence change replaces serine, which is neutral and polar, with isoleucine, which is neutral and non-polar, at codon 101 of the ROBO2 protein (p.Ser101Ile). This variant is not present in population databases (gnomAD no frequency). This variant has not been reported in the literature in individuals affected with ROBO2-related conditions. Invitae Evidence Modeling of protein sequence and biophysical properties (such as structural, functional, and spatial information, amino acid conservation, physicochemical variation, residue mobility, and thermodynamic stability) indicates that this missense variant is not expected to disrupt ROBO2 protein function with a negative predictive value of 95%. In summary, the available evidence is currently insufficient to determine the role of this variant in disease. Therefore, it has been classified as a Variant of Uncertain Significance.